The following is an entry in ClinVar:

ClinVar aggregate classification (germline): Conflicting classifications of pathogenicity. Review status: criteria provided, conflicting classifications (1 of 4 stars). 2 submissions from 2 submitters: Uncertain significance (1); Likely benign (1). Last evaluated 2024-06-24.

Conditions:
Marfan syndrome (MFS). Also called: Marfan's syndrome; Marfan syndrome, classic; MARFAN SYNDROME, TYPE I; Marfan syndrome type 1; FBN1-Related Marfan Syndrome. Identifiers: Orphanet 284963, Orphanet 558, MedGen C0024796, MONDO:0007947, OMIM 154700.
Familial thoracic aortic aneurysm and aortic dissection (TAAD). Also called: Thoracic aortic aneurysms and dissections. Identifiers: Orphanet 91387, MedGen C4707243, MONDO:0019625.

Allele frequency attached by ClinVar (database versions not stated): ExAC 0.00001; gnomAD exomes 0.00001.
gnomAD v4.1: 16 of 1,614,172 alleles (0.00099%); highest among the groups gnomAD compares: Non-Finnish European, 0.0014%; no homozygotes.

Submissions (2):

Labcorp Genetics (formerly Invitae), Labcorp
Classification: Likely benign for Marfan syndrome; Familial thoracic aortic aneurysm and aortic dissection. Last evaluated: 2024-06-24. Review status: criteria provided, single submitter. Criteria: Invitae Variant Classification Sherloc (09022015). Collection method: clinical testing. Allele origin: germline.

Ambry Genetics
Classification: Uncertain significance for Familial thoracic aortic aneurysm and aortic dissection. Last evaluated: 2019-04-04. Review status: criteria provided, single submitter. Criteria: Ambry Variant Classification Scheme 2023. Collection method: clinical testing. Allele origin: germline.
Comment: The p.S191I variant (also known as c.572G>T), located in coding exon 6 of the FBN1 gene, results from a G to T substitution at nucleotide position 572. The serine at codon 191 is replaced by isoleucine, an amino acid with dissimilar properties. This amino acid position is not well conserved in available vertebrate species. In addition, the in silico prediction for this alteration is inconclusive. Since supporting evidence is limited at this time, the clinical significance of this alteration remains unclear.

NM_000138.5(FBN1):c.572G>T (p.Ser191Ile)

Gene: FBN1 (fibrillin 1; minus strand). Cytogenetic location: 15q21.1.
Variant type: single nucleotide variant.
Coding change: c.572G>T on transcript NM_000138.5 (MANE Select); coding-DNA position 572, G replaced by T.
Protein change: p.Ser191Ile; replaces serine 191 with isoleucine.
Molecular consequence: missense variant.
Genome position (GRCh38, 1-based): chr15:48,537,775, C>A on the plus strand (G>T on the coding strand, the complement: FBN1 is on the minus strand). VCF-style: chr15-48537775-C-A. GRCh37 (hg19) VCF-style: chr15-48829972-C-A.
Other names: c.572G>T, p.Ser191Ile (NM_001406716.1, NM_001406717.1); short protein forms S191I.
Identifiers: ClinVar variation 1749324 (VCV001749324.7), dbSNP rs771226686, ClinGen allele CA055454.